The following is an entry in ClinVar:

NM_001081550.2(THOC2):c.2334G>A (p.Val778=)

Gene: THOC2 (THO complex subunit 2; minus strand). Cytogenetic location: Xq25.
Variant type: single nucleotide variant.
Coding change: c.2334G>A on transcript NM_001081550.2 (MANE Select); coding-DNA position 2334, G replaced by A.
Protein change: p.Val778=; no amino-acid change (valine 778 retained).
Molecular consequence: synonymous variant.
Genome position (GRCh38, 1-based): chrX:123,631,835, C>T on the plus strand (G>A on the coding strand, the complement: THOC2 is on the minus strand). VCF-style: chrX-123631835-C-T. GRCh37 (hg19) VCF-style: chrX-122765686-C-T.
Other names: c.2334G>A, p.Val778= (NM_001441235.1, NM_001441236.1).
Identifiers: ClinVar variation 4821084 (VCV004821084.4).
Genomic context (GRCh38, chrX:123,631,835, plus strand): 5'-AGGCACTCGCTTTATATAATCTTCTGTGCTCAGATTAGATGCTAAAAACCCACCAAACTG[C>T]ACCAGGGTATCATGACACTAAATTTAAAAAATAAGACAAAATCAACATATTTTCCAAAGT-3'
Protein context (NP_001075019.1, residues 768-788): KLYDQCHDTL[Val778=]QFGGFLASNL

ClinVar aggregate classification (germline): Likely benign (1 of 4 stars; one submission).

gnomAD v4.1: 2 of 1,200,206 alleles (0.00017%); highest among the groups gnomAD compares: Non-Finnish European, 0.00022%; no homozygotes.

Submission:

CeGaT Center for Human Genetics Tuebingen
Classification: Likely benign. Last evaluated: 2026-02-01. Review status: criteria provided, single submitter. Criteria: CeGaT Center For Human Genetics Tuebingen Variant Classification Criteria Version 2. Collection method: clinical testing. Allele origin: germline. Affected: yes. Observed: 1 variant allele.
Comment: THOC2: BP4, BP7